The following is an entry in ClinVar:

ClinVar aggregate classification (germline): Benign. Review status: criteria provided, multiple submitters, no conflicts (2 of 4 stars). 4 submissions from 4 submitters: Benign (4). Last evaluated 2026-02-04.

Allele frequency attached by ClinVar (database versions not stated): 1000 Genomes Project 30x 0.10275; TOPMed 0.10168.

Submissions (4):

Labcorp Genetics (formerly Invitae), Labcorp
Classification: Benign. Last evaluated: 2026-02-04. Review status: criteria provided, single submitter. Criteria: Invitae Variant Classification Sherloc (09022015). Collection method: clinical testing. Allele origin: germline.

Laboratory for Molecular Medicine, Mass General Brigham Personalized Medicine
Classification: Benign. Last evaluated: 2014-11-24. Review status: criteria provided, single submitter. Criteria: LMM Criteria. Collection method: clinical testing. Allele origin: germline. Observed: 238 variant alleles.
Comment: Thr405Thr in exon 6 of CEACAM16: This variant is not expected to have clinical s ignificance because it does not alter an amino acid residue and is not located w ithin the splice consensus sequence. It has been identified in 14.0% (1185/8442) of European American chromosomes from a broad population by the NHLBI Exome Seq uencing Project (dbSNP rs61744497).

Breakthrough Genomics
Classification: Benign. Review status: criteria provided, single submitter. Criteria: ACMG Guidelines, 2015. Collection method: not provided. Allele origin: germline. Inheritance: Autosomal recessive inheritance. Affected: yes.

PreventionGenetics, part of Exact Sciences
Classification: Benign. Review status: criteria provided, single submitter. Criteria: ACMG Guidelines, 2015. Collection method: clinical testing. Allele origin: germline.

NM_001039213.4(CEACAM16):c.1215= (p.Thr405=)

Genes: CEACAM16 (CEA cell adhesion molecule 16, tectorial membrane component; plus strand), CEACAM16-AS1 (CEACAM16, CEACAM19 and PVR antisense RNA 1; minus strand). Cytogenetic location: 19q13.32.
Variant type: single nucleotide variant.
Coding change: c.1215= on transcript NM_001039213.4 (MANE Select); coding-DNA position 1215, no change from the reference sequence.
Protein change: p.Thr405=; no amino-acid change (threonine 405 retained).
Molecular consequence: no sequence alteration.
Genome position: GRCh38 VCF-style: chr19-44708135-T-T. GRCh37 (hg19) VCF-style: chr19-45211407-C-T.
Identifiers: ClinVar variation 226503 (VCV000226503.13), dbSNP rs61744497.